The following is an entry in ClinVar:

NM_007259.5(VPS45):c.1639G>T (p.Val547Phe)

Gene: VPS45 (vacuolar protein sorting 45 homolog; plus strand). Cytogenetic location: 1q21.2.
Variant type: single nucleotide variant.
Coding change: c.1639G>T on transcript NM_007259.5 (MANE Select); coding-DNA position 1639, G replaced by T.
Protein change: p.Val547Phe; replaces valine 547 with phenylalanine.
Molecular consequence: missense variant. On other transcripts: non-coding transcript variant (1).
Genome position (GRCh38, 1-based): chr1:150,144,722, G>T. VCF-style: chr1-150144722-G-T. GRCh37 (hg19) VCF-style: chr1-150116900-G-T.
Other names: p.Val547Phe; c.1418G>T, p.Ser473Ile (NM_001279353.2); c.1531G>T, p.Val511Phe (NM_001279354.2); c.1639G>T (NM_007259.4); short protein forms S473I, V511F, V547F.
Identifiers: ClinVar variation 3379888 (VCV003379888.2).
Genomic context (GRCh38, chr1:150,144,722, plus strand): 5'-GAGATGCTTTTGTTTTTTCCTTCAAGTAACCTCAAACTACTTATCAGTTTCCTAGAGGAA[G>T]TTCTGGCTTCTGGACTGCACAGCCGAAGCAAGGAGAGCTCTCAAGTCACATCAAGGTCAG-3'
Protein context (NP_009190.2, residues 537-557): VHNTKSFLEE[Val547Phe]LASGLHSRSK

ClinVar aggregate classification (germline): Uncertain significance. Review status: criteria provided, multiple submitters, no conflicts (2 of 4 stars). 2 submissions from 2 submitters: Uncertain significance (2). Last evaluated 2025-04-08.

gnomAD v4.1: 3 of 1,612,746 alleles (0.00019%); highest among the groups gnomAD compares: South Asian, 0.0033%; no homozygotes.

Submissions (2):

GeneDx
Classification: Uncertain significance. Last evaluated: 2025-04-08. Review status: criteria provided, single submitter. Criteria: GeneDx Variant Classification Process June 2021. Collection method: clinical testing. Allele origin: germline. Affected: yes.
Comment: Not observed at significant frequency in large population cohorts (gnomAD); In silico analysis supports that this missense variant has a deleterious effect on protein structure/function; Has not been previously published as pathogenic or benign to our knowledge

Mayo Clinic Laboratories, Mayo Clinic
Classification: Uncertain significance. Last evaluated: 2024-07-17. Review status: criteria provided, single submitter. Criteria: ACMG Guidelines, 2015. Collection method: clinical testing. Allele origin: germline. Observed: 1 variant allele.
Comment: PM2